The following is an entry in ClinVar:

NM_001378609.3(OTOGL):c.3626A>G (p.Tyr1209Cys)

Gene: OTOGL (otogelin like; plus strand). Cytogenetic location: 12q21.31.
Variant type: single nucleotide variant.
Coding change: c.3626A>G on transcript NM_001378609.3 (MANE Select); coding-DNA position 3626, A replaced by G.
Protein change: p.Tyr1209Cys; replaces tyrosine 1209 with cysteine.
Molecular consequence: missense variant.
Genome position (GRCh38, 1-based): chr12:80,314,323, A>G. VCF-style: chr12-80314323-A-G. GRCh37 (hg19) VCF-style: chr12-80708103-A-G.
Other names: c.3491A>G, p.Tyr1164Cys (NM_001368062.3); c.3626A>G, p.Tyr1209Cys (NM_001378610.3, NM_173591.7); short protein forms Y1164C, Y1209C.
Identifiers: ClinVar variation 1031268 (VCV001031268.1), dbSNP rs1886838397, ClinGen allele CA385866082.
Genomic context (GRCh38, chr12:80,314,323, plus strand): 5'-GACTTCTTACATAGTTTAATATTTATTCTTTTTTTCTTTTAGCACTTGATTGTGAATACT[A>G]CAATGAAGGTATGTGACATTCAAATTAAAAATATCACTATAGTATTCTATTAGGTGTATT-3'
Protein context (NP_001365538.2, residues 1199-1219): STVCSLDCEY[Tyr1209Cys]NEGLGEGPYM

ClinVar aggregate classification (germline): Uncertain significance (1 of 4 stars; one submission).

Conditions:
Autosomal recessive nonsyndromic hearing loss 84B. Also called: Deafness, autosomal recessive 84b. Identifiers: Orphanet 90636, MedGen C3554159, MONDO:0013984, OMIM 614944.

Submission:

Baylor Genetics
Classification: Uncertain significance for Autosomal recessive nonsyndromic hearing loss 84B. Last evaluated: 2019-12-26. Review status: criteria provided, single submitter. Criteria: ACMG Guidelines, 2015. Collection method: clinical testing. Allele origin: unknown. Affected: yes.
Comment: This variant was determined to be of uncertain significance according to ACMG Guidelines, 2015 [PMID:25741868].